The following is an entry in ClinVar:

ClinVar aggregate classification (germline): Uncertain significance (1 of 4 stars; one submission).

Submission:

GeneDx
Classification: Uncertain significance. Last evaluated: 2024-10-10. Review status: criteria provided, single submitter. Criteria: GeneDx Variant Classification Process June 2021. Collection method: clinical testing. Allele origin: germline. Affected: yes.
Comment: Not observed at significant frequency in large population cohorts (gnomAD); Frameshift variant predicted to result in protein truncation or nonsense mediated decay in a gene or region of a gene for which loss of function is not a well-established mechanism of disease; Has not been previously published as pathogenic or benign to our knowledge

NM_001220.5(CAMK2B):c.720del (p.Val241fs)

Gene: CAMK2B (calcium/calmodulin dependent protein kinase II beta; minus strand). Cytogenetic location: 7p13.
Variant type: Deletion.
Coding change: c.720del on transcript NM_001220.5 (MANE Select); coding-DNA position 720, one base deleted (C; older notation c.720delC).
Protein change: p.Val241fs; shifts the reading frame from valine 241.
Molecular consequence: frameshift variant.
Genome position (GRCh38, 1-based): chr7:44,242,317, G deleted on the plus strand (C on the coding strand, the reverse complement: CAMK2B is on the minus strand); the first of 2 consecutive G bases (chr7:44,242,317-44,242,318); deleting either gives the same sequence. VCF-style (leftmost placement, unchanged base first): chr7-44242316-CG-C. GRCh37 (hg19) VCF-style: chr7-44281915-CG-C.
Other names: c.720del, p.Val241fs (NM_001293170.2, NM_172078.3, NM_172079.3 and 5 more transcripts); short protein forms V241fs.
Identifiers: ClinVar variation 3777662 (VCV003777662.1).